The following is an entry in ClinVar:

NM_004655.4(AXIN2):c.1189C>G (p.Gln397Glu)

Gene: AXIN2 (axin 2; minus strand). Cytogenetic location: 17q24.1.
Variant type: single nucleotide variant.
Coding change: c.1189C>G on transcript NM_004655.4 (MANE Select); coding-DNA position 1189, C replaced by G.
Protein change: p.Gln397Glu; replaces glutamine 397 with glutamic acid.
Molecular consequence: missense variant.
Genome position (GRCh38, 1-based): chr17:65,538,214, G>C on the plus strand (C>G on the coding strand, the complement: AXIN2 is on the minus strand). VCF-style: chr17-65538214-G-C. GRCh37 (hg19) VCF-style: chr17-63534332-G-C.
Other names: c.1189C>G, p.Gln397Glu (NM_001363813.1); short protein forms Q397E.
Identifiers: ClinVar variation 5032619 (VCV005032619.1).

ClinVar aggregate classification (germline): Uncertain significance (1 of 4 stars; one submission).

Conditions:
Hereditary cancer-predisposing syndrome. Also called: Neoplastic Syndromes, Hereditary; Tumor predisposition; Hereditary neoplastic syndrome; Hereditary Cancer Syndrome. Identifiers: Orphanet 140162, MedGen C0027672, MeSH D009386, MONDO:0015356.

Submission:

Ambry Genetics
Classification: Uncertain significance for Hereditary cancer-predisposing syndrome. Last evaluated: 2026-07-07. Review status: criteria provided, single submitter. Criteria: Ambry Variant Classification Scheme 2023. Collection method: clinical testing. Allele origin: germline.
Comment: The p.Q397E variant (also known as c.1189C>G), located in coding exon 4 of the AXIN2 gene, results from a C to G substitution at nucleotide position 1189. The glutamine at codon 397 is replaced by glutamic acid, an amino acid with highly similar properties. This amino acid position is conserved. In addition, the in silico prediction for this alteration is inconclusive. Based on the available evidence, the clinical significance of this variant remains unclear.